The following is an entry in ClinVar:

ClinVar aggregate classification (germline): Benign/Likely benign. Review status: criteria provided, multiple submitters, no conflicts (2 of 4 stars). 2 submissions from 2 submitters: Benign (1); Likely benign (1). Last evaluated 2026-01-06.

Conditions:
Hereditary cancer-predisposing syndrome. Also called: Tumor predisposition; Hereditary Cancer Syndrome; Hereditary neoplastic syndrome; Neoplastic Syndromes, Hereditary. Identifiers: Orphanet 140162, MedGen C0027672, MeSH D009386, MONDO:0015356.
Familial cancer of breast. Also called: Hereditary breast cancer; hereditary breast carcinoma; BREAST CANCER, FAMILIAL. Identifiers: Orphanet 227535, MedGen C0346153, MONDO:0016419, OMIM 114480. Disease mechanism: loss of function.

gnomAD v4.1: 1 of 1,613,760 alleles (0.000062%); highest among the groups gnomAD compares: East Asian, 0.0022%; no homozygotes.

Submissions (2):

Ambry Genetics
Classification: Likely benign for Hereditary cancer-predisposing syndrome. Last evaluated: 2026-01-06. Review status: criteria provided, single submitter. Criteria: Ambry Variant Classification Scheme 2023. Collection method: clinical testing. Allele origin: germline.

Myriad Genetics, Inc.
Classification: Benign for Familial cancer of breast. Last evaluated: 2024-05-22. Review status: criteria provided, single submitter. Criteria: Myriad Autosomal Dominant, Autosomal Recessive and X-Linked Classification Criteria (2023). Collection method: clinical testing. Allele origin: unknown.
Comment: This variant is considered benign. This variant is a silent/synonymous amino acid change and it is not expected to impact splicing.

NM_000051.4(ATM):c.5199T>A (p.Ala1733=)

Gene: ATM (ATM serine/threonine kinase; plus strand). Cytogenetic location: 11q22.3.
Variant type: single nucleotide variant.
Coding change: c.5199T>A on transcript NM_000051.4 (MANE Select); coding-DNA position 5199, T replaced by A.
Protein change: p.Ala1733=; no amino-acid change (alanine 1733 retained).
Molecular consequence: synonymous variant.
Genome position (GRCh38, 1-based): chr11:108,301,669, T>A. VCF-style: chr11-108301669-T-A. GRCh37 (hg19) VCF-style: chr11-108172396-T-A.
Other names: c.5199T>A, p.Ala1733= (NM_001351834.2).
Identifiers: ClinVar variation 3254148 (VCV003254148.2), dbSNP rs761946128.